The following is an entry in ClinVar:

NM_020821.3(VPS13C):c.3106A>G (p.Ile1036Val)

Gene: VPS13C (vacuolar protein sorting 13 homolog C; minus strand). Cytogenetic location: 15q22.2.
Variant type: single nucleotide variant.
Coding change: c.3106A>G on transcript NM_020821.3 (MANE Select); coding-DNA position 3106, A replaced by G.
Protein change: p.Ile1036Val; replaces isoleucine 1036 with valine.
Molecular consequence: missense variant.
Genome position (GRCh38, 1-based): chr15:61,964,807, T>C on the plus strand (A>G on the coding strand, the complement: VPS13C is on the minus strand). VCF-style: chr15-61964807-T-C. GRCh37 (hg19) VCF-style: chr15-62257006-T-C.
Other names: c.3106A>G, p.Ile1036Val (NM_001018088.3); c.2977A>G, p.Ile993Val (NM_017684.5, NM_018080.4); short protein forms I1036V, I993V.
Identifiers: ClinVar variation 3036004 (VCV003036004.2), dbSNP rs757105331, ClinGen allele CA7596484.

ClinVar aggregate classification (germline): Uncertain significance (0 of 4 stars; one submission).

Conditions:
VPS13C-related disorder. Also called: VPS13C-related condition.

Allele frequency attached by ClinVar (database versions not stated): gnomAD 0.00001; TOPMed 0.00001; gnomAD exomes 0.00002; ExAC 0.00003.
gnomAD v4.1: 31 of 1,612,380 alleles (0.0019%); highest among the groups gnomAD compares: African/African-American, 0.0027%; no homozygotes.

Submission:

PreventionGenetics, part of Exact Sciences
Classification: Uncertain significance for VPS13C-related condition. Last evaluated: 2023-11-27. Review status: no assertion criteria provided. Collection method: clinical testing. Allele origin: germline.
Comment: The VPS13C c.3106A>G variant is predicted to result in the amino acid substitution p.Ile1036Val. To our knowledge, this variant has not been reported in the literature. This variant is reported in 0.0044% of alleles in individuals of European (Non-Finnish) descent in gnomAD. At this time, the clinical significance of this variant is uncertain due to the absence of conclusive functional and genetic evidence.